The following is an entry in ClinVar:

ClinVar aggregate classification (germline): Benign. Review status: criteria provided, multiple submitters, no conflicts (2 of 4 stars). 2 submissions from 2 submitters: Benign (2). Last evaluated 2018-01-12.

Conditions:
Microphthalmia, syndromic 9. Also called: ANOPHTHALMIA, CLINICAL, WITH MILD FACIAL DYSMORPHISM AND VARIABLE MALFORMATIONS OF THE LUNG, HEART, AND DIAPHRAGM; ANOPHTHALMIA/MICROPHTHALMIA AND PULMONARY HYPOPLASIA; Matthew-Wood syndrome; PULMONARY AGENESIS, MICROPHTHALMIA, AND DIAPHRAGMATIC DEFECT; SPEAR SYNDROME. Identifiers: Orphanet 2470, MedGen C1832661, MONDO:0011010, OMIM 601186.

Allele frequency attached by ClinVar (database versions not stated): gnomAD exomes 0.00460; gnomAD 0.02863 and 0.03106; 1000 Genomes Project 0.02915; 1000 Genomes Project 30x 0.03045; TOPMed 0.03200.
gnomAD v4.1: 4,364 of 159,450 alleles (2.7%); highest among the groups gnomAD compares: African/African-American, 9.6%; 206 homozygotes.

Submissions (2):

Illumina Laboratory Services, Illumina
Classification: Benign for Microphthalmia, syndromic 9. Last evaluated: 2018-01-12. Review status: criteria provided, single submitter. Criteria: ICSL Variant Classification Criteria 13 December 2019. Collection method: clinical testing. Allele origin: germline.
Comment: This variant was observed in the ICSL laboratory as part of a predisposition screen in an ostensibly healthy population. It had not been previously curated by ICSL or reported in the Human Gene Mutation Database (HGMD: prior to June 1st, 2018), and was therefore a candidate for classification through an automated scoring system. Utilizing variant allele frequency, disease prevalence and penetrance estimates, and inheritance mode, an automated score was calculated to assess if this variant is too frequent to cause the disease. Based on the score and internal cut-off values, a variant classified as benign is not then subjected to further curation. The score for this variant resulted in a classification of benign for this disease.

Breakthrough Genomics
Classification: Benign. Review status: criteria provided, single submitter. Criteria: ACMG Guidelines, 2015. Collection method: not provided. Allele origin: germline. Inheritance: Autosomal recessive inheritance. Affected: yes.

NM_022369.4(STRA6):c.*489T>C

Gene: STRA6 (signaling receptor and transporter of retinol STRA6; minus strand). Cytogenetic location: 15q24.1.
Variant type: single nucleotide variant.
Coding change: c.*489T>C on transcript NM_022369.4 (MANE Select); 489 bases downstream of the stop codon, T replaced by C.
Molecular consequence: 3 prime UTR variant.
Genome position (GRCh38, 1-based): chr15:74,179,591, A>G on the plus strand (T>C on the coding strand, the complement: STRA6 is on the minus strand). VCF-style: chr15-74179591-A-G. GRCh37 (hg19) VCF-style: chr15-74471932-A-G.
Other names: c.*489T>C (NM_001142617.2, NM_001142618.2, NM_001142619.2 and 3 more transcripts).
Identifiers: ClinVar variation 317080 (VCV000317080.6), dbSNP rs75117524, ClinGen allele CA10642544.